The following is an entry in ClinVar:

ClinVar aggregate classification (germline): Uncertain significance (1 of 4 stars; one submission).

Conditions:
Luscan-Lumish syndrome. Identifiers: Orphanet 597738, MedGen C4085873, MONDO:0014791, OMIM 616831.

Allele frequency attached by ClinVar (database versions not stated): 1000 Genomes Project 30x 0.00031; gnomAD 0.00001; 1000 Genomes Project 0.00040; gnomAD exomes 0.00001 and 0.00003; TOPMed below 0.00001; ExAC 0.00003.
gnomAD v4.1: 8 of 1,614,110 alleles (0.0005%); highest among the groups gnomAD compares: Admixed American, 0.013%; no homozygotes.

Submission:

Labcorp Genetics (formerly Invitae), Labcorp
Classification: Uncertain significance for Luscan-Lumish syndrome. Last evaluated: 2021-08-27. Review status: criteria provided, single submitter. Criteria: Invitae Variant Classification Sherloc (09022015). Collection method: clinical testing. Allele origin: germline.
Comment: This sequence change replaces glutamine with arginine at codon 1981 of the SETD2 protein (p.Gln1981Arg). The glutamine residue is highly conserved and there is a small physicochemical difference between glutamine and arginine. This variant is present in population databases (rs189529024, ExAC 0.03%). This variant has not been reported in the literature in individuals affected with SETD2-related conditions. Algorithms developed to predict the effect of missense changes on protein structure and function are either unavailable or do not agree on the potential impact of this missense change (SIFT: "Deleterious"; PolyPhen-2: "Possibly Damaging"; Align-GVGD: "Class C0"). In summary, the available evidence is currently insufficient to determine the role of this variant in disease. Therefore, it has been classified as a Variant of Uncertain Significance.

NM_014159.7(SETD2):c.5942A>G (p.Gln1981Arg)

Gene: SETD2 (SET domain containing 2, histone lysine methyltransferase; minus strand). Cytogenetic location: 3p21.31.
Variant type: single nucleotide variant.
Coding change: c.5942A>G on transcript NM_014159.7 (MANE Select); coding-DNA position 5942, A replaced by G.
Protein change: p.Gln1981Arg; replaces glutamine 1981 with arginine.
Molecular consequence: missense variant. On other transcripts: non-coding transcript variant (1).
Genome position (GRCh38, 1-based): chr3:47,083,838, T>C on the plus strand (A>G on the coding strand, the complement: SETD2 is on the minus strand). VCF-style: chr3-47083838-T-C. GRCh37 (hg19) VCF-style: chr3-47125328-T-C.
Other names: c.5810A>G, p.Gln1937Arg (NM_001349370.3); short protein forms Q1981R, Q1937R.
Identifiers: ClinVar variation 542223 (VCV000542223.4), dbSNP rs189529024, ClinGen allele CA2362830.